The following is an entry in ClinVar:

ClinVar aggregate classification (germline): Uncertain significance (0 of 4 stars; one submission).

Conditions:
SMARCC1-related disorder. Also called: SMARCC1-related condition.

Submission:

PreventionGenetics, part of Exact Sciences
Classification: Uncertain significance for SMARCC1-related condition. Last evaluated: 2024-08-25. Review status: no assertion criteria provided. Collection method: clinical testing. Allele origin: germline.
Comment: The SMARCC1 c.563_565delTCA variant is predicted to result in an in-frame deletion (p.Ile188del). To our knowledge, this variant has not been reported in the literature or in a large population database, indicating this variant is rare. At this time, the clinical significance of this variant is uncertain due to the absence of conclusive functional and genetic evidence.

NM_003074.4(SMARCC1):c.560TCA[1] (p.Ile188del)

Gene: SMARCC1 (SWI/SNF related BAF chromatin remodeling complex subunit C1; minus strand). Cytogenetic location: 3p21.31.
Variant type: Microsatellite.
Coding change: c.560TCA[1] on transcript NM_003074.4 (MANE Select); one copy of the 3-base unit TCA starting at c.560; the reference has two copies in a row; one copy, 3 bases deleted.
Protein change: p.Ile188del; deletes isoleucine 188.
Molecular consequence: inframe deletion.
Genome position (GRCh38, 1-based): chr3:47,736,045-47,736,047, TGA deleted on the plus strand (TCA on the coding strand, the reverse complement: SMARCC1 is on the minus strand); deleting any 3 consecutive bases within chr3:47,736,045-47,736,051 gives the same sequence; the position shown is the placement nearest the transcript's 3' end. VCF-style (leftmost placement, unchanged base first): chr3-47736044-TTGA-T. GRCh37 (hg19) VCF-style: chr3-47777534-TTGA-T.
Other names: short protein forms I188del.
Identifiers: ClinVar variation 3344887 (VCV003344887.1).